The following is an entry in ClinVar:

ClinVar aggregate classification (germline): Uncertain significance (1 of 4 stars; one submission).

gnomAD v4.1: 9 of 1,613,592 alleles (0.00056%); highest among the groups gnomAD compares: Non-Finnish European, 0.00068%; no homozygotes.

Submission:

Women's Health and Genetics/Laboratory Corporation of America, LabCorp
Classification: Uncertain significance. Last evaluated: 2026-04-24. Review status: criteria provided, single submitter. Criteria: LabCorp Variant Classification Summary - May 2015. Collection method: clinical testing. Allele origin: germline.
Comment: Variant summary: FGFR1 c.2418C>A (p.Cys806X) results in a premature termination codon, predicted to cause a truncation of the encoded protein and not involved in nonsense-mediated mRNA decay. The variant allele was found at a frequency of 4.1e-06 in 246056 control chromosomes (gnomAD). The available data on variant occurrences in the general population are insufficient to allow any conclusion about variant significance. To our knowledge, no occurrence of c.2418C>A in individuals affected with FGFR1-related conditions and no experimental evidence demonstrating its impact on protein function have been reported. No submitters have cited clinical-significance assessments for this variant to ClinVar. Based on the evidence outlined above, the variant was classified as uncertain significance.

NM_023110.3(FGFR1):c.2418C>A (p.Cys806Ter)

Gene: FGFR1 (fibroblast growth factor receptor 1; minus strand). Cytogenetic location: 8p11.23.
Variant type: single nucleotide variant.
Coding change: c.2418C>A on transcript NM_023110.3 (MANE Select); coding-DNA position 2418, C replaced by A.
Protein change: p.Cys806Ter; replaces cysteine 806 with a stop codon.
Molecular consequence: nonsense. On other transcripts: intron variant (3).
Genome position (GRCh38, 1-based): chr8:38,413,679, G>T on the plus strand (C>A on the coding strand, the complement: FGFR1 is on the minus strand). VCF-style: chr8-38413679-G-T. GRCh37 (hg19) VCF-style: chr8-38271197-G-T.
Other names: c.2412C>A, p.Cys804Ter (NM_001174063.2, NM_001174065.2, NM_015850.4); c.2388C>A, p.Cys796Ter (NM_001174064.2); c.2151C>A, p.Cys717Ter (NM_001174066.2, NM_023105.3); c.2511C>A, p.Cys837Ter (NM_001174067.2); c.2139C>A, p.Cys713Ter (NM_001354368.2); c.2406C>A, p.Cys802Ter (NM_001410922.1); c.2145C>A, p.Cys715Ter (NM_023106.3); c.2019+239C>A (NM_001354370.2); and 2 more; short protein forms C713*, C715*, C717*, C796*, C802*, C804*, C806*, C837*.
Identifiers: ClinVar variation 4849112 (VCV004849112.1).